The following is an entry in ClinVar:

NM_007194.4(CHEK2):c.684-2A>C

Gene: CHEK2 (checkpoint kinase 2; minus strand). Cytogenetic location: 22q12.1.
Variant type: single nucleotide variant.
Coding change: c.684-2A>C on transcript NM_007194.4 (MANE Select); the canonical splice acceptor site of the intron before coding-DNA position 684, A replaced by C.
Molecular consequence: splice acceptor variant.
Genome position (GRCh38, 1-based): chr22:28,712,019, T>G on the plus strand (A>C on the coding strand, the complement: CHEK2 is on the minus strand). VCF-style: chr22-28712019-T-G. GRCh37 (hg19) VCF-style: chr22-29108007-T-G.
Other names: c.21-2A>C (NM_001437942.1, NM_001257387.3); c.483-2A>C (NM_001349956.3); c.684-2A>C (NM_145862.3); c.777-2A>C (NM_001438295.1, NM_001438293.1); c.813-2A>C (NM_001438294.1, NM_001005735.3).
Identifiers: ClinVar variation 4751492 (VCV004751492.1).

ClinVar aggregate classification (germline): Likely pathogenic (1 of 4 stars; one submission).

Conditions:
Familial cancer of breast. Also called: Hereditary breast cancer; hereditary breast carcinoma; BREAST CANCER, FAMILIAL. Identifiers: Orphanet 227535, MedGen C0346153, MONDO:0016419, OMIM 114480. Disease mechanism: loss of function.

Submission:

Labcorp Genetics (formerly Invitae), Labcorp
Classification: Likely pathogenic for Familial cancer of breast. Last evaluated: 2026-01-11. Review status: criteria provided, single submitter. Criteria: Invitae Variant Classification Sherloc (09022015). Collection method: clinical testing. Allele origin: germline.
Comment: This sequence change affects an acceptor splice site in intron 5 of the CHEK2 gene. It is expected to disrupt RNA splicing. Variants that disrupt the donor or acceptor splice site typically lead to a loss of protein function (PMID: 16199547), and loss-of-function variants in CHEK2 are known to be pathogenic (PMID: 21876083, 24713400). This variant is not present in population databases (gnomAD no frequency). Disruption of this splice site has been observed in individual(s) with breast cancer (PMID: 29522266). Studies have shown that disruption of this splice site is associated with inconclusive levels of altered splicing (PMID: 37725924; internal data). In summary, the currently available evidence indicates that the variant is pathogenic, but additional data are needed to prove that conclusively. Therefore, this variant has been classified as Likely Pathogenic.

Literature cited by the submitters: PubMed 16199547; PubMed 21876083; PubMed 24713400; PubMed 29522266; PubMed 37725924.